The following is an entry in ClinVar:

ClinVar aggregate classification (germline): Benign (1 of 4 stars; one submission).

Allele frequency attached by ClinVar (database versions not stated): gnomAD 0.54296 and 0.55420; TOPMed 0.54305; 1000 Genomes Project 30x 0.56918; 1000 Genomes Project 0.57268.
gnomAD v4.1: 84,139 of 151,942 alleles (55%); highest among the groups gnomAD compares: South Asian, 74%; 24,546 homozygotes.

Submission:

GeneDx
Classification: Benign. Last evaluated: 2019-08-23. Review status: criteria provided, single submitter. Criteria: GeneDx Variant Classification Process June 2021. Collection method: clinical testing. Allele origin: germline. Affected: yes.
Comment: This variant is associated with the following publications: (PMID: 29923177)

NM_005028.5(PIP4K2A):c.792+505C>T

Gene: PIP4K2A (phosphatidylinositol-5-phosphate 4-kinase type 2 alpha; minus strand). Cytogenetic location: 10p12.2.
Variant type: single nucleotide variant.
Coding change: c.792+505C>T on transcript NM_005028.5 (MANE Select); 505 bases into the intron after coding-DNA position 792, C replaced by T.
Molecular consequence: intron variant.
Genome position (GRCh38, 1-based): chr10:22,550,154, G>A on the plus strand (C>T on the coding strand, the complement: PIP4K2A is on the minus strand). VCF-style: chr10-22550154-G-A. GRCh37 (hg19) VCF-style: chr10-22839083-G-A.
Other names: c.615+505C>T (NM_001330062.2).
Identifiers: ClinVar variation 1291277 (VCV001291277.2), dbSNP rs4748812, ClinGen allele CA15631061.